The following is an entry in ClinVar:

ClinVar aggregate classification (germline): Pathogenic/Likely pathogenic. Review status: criteria provided, multiple submitters, no conflicts (2 of 4 stars). 13 submissions from 12 submitters: Pathogenic (9); Likely pathogenic (2). 2 of the submissions do not count toward it. Last evaluated 2025-10-24.

Conditions:
Muscular dystrophy-dystroglycanopathy (congenital without impaired intellectual development), type B, 4. Also called: MUSCULAR DYSTROPHY, CONGENITAL, FKTN-RELATED; Muscular dystrophy-dystroglycanopathy (congenital without intellectual disability), type B4. Identifiers: MedGen C2751052, MONDO:0013156, OMIM 613152.
Dilated cardiomyopathy 1X (CMD1X). Also called: FKTN-Related Dilated Cardiomyopathy; CARDIOMYOPATHY, DILATED, WITH MILD OR NO PROXIMAL MUSCLE WEAKNESS. Identifiers: Orphanet 154, MedGen C1969024, MONDO:0012704, OMIM 611615.
Muscular dystrophy-dystroglycanopathy (congenital with brain and eye anomalies), type A, 4 (MDDGA4). Also called: Walker-Warburg Syndrome, Fktn-Related; Congenital muscular dystrophy-dystroglycanopathy with brain and eye anomalies, type A4; WALKER-WARBURG SYNDROME OR MUSCLE-EYE-BRAIN DISEASE, FKTN-RELATED; Muscular dystrophy, congenital progressive, with mental retardation; Muscular dystrophy, congenital, with central nervous system involvement; Cerebromuscular dystrophy, Fukuyama type. Identifiers: Orphanet 272, Orphanet 588, Orphanet 899, MedGen C0410174, MONDO:0009678, OMIM 253800.
Cardiovascular phenotype. Identifiers: MedGen CN230736.
Walker-Warburg congenital muscular dystrophy. Also called: Muscular dystrophy-dystroglycanopathy, type A; Walker-Warburg syndrome. Identifiers: Orphanet 899, MedGen C0265221, MONDO:0000171.
Autosomal recessive limb-girdle muscular dystrophy type 2M. Also called: MUSCULAR DYSTROPHY-DYSTROGLYCANOPATHY (LIMB-GIRDLE), TYPE C, 4; MUSCULAR DYSTROPHY, LIMB-GIRDLE, TYPE 2M. Identifiers: Orphanet 206554, MedGen C1969040, MONDO:0012699, OMIM 611588.

Allele frequency attached by ClinVar (database versions not stated): TOPMed 0.00001; gnomAD 0.00001; gnomAD exomes 0.00001.
gnomAD v4.1: 16 of 1,584,518 alleles (0.001%); highest among the groups gnomAD compares: South Asian, 0.0078%; no homozygotes.

Submissions (13):

Labcorp Genetics (formerly Invitae), Labcorp
Classification: Pathogenic for Walker-Warburg congenital muscular dystrophy. Last evaluated: 2025-10-24. Review status: criteria provided, single submitter. Criteria: Invitae Variant Classification Sherloc (09022015). Collection method: clinical testing. Allele origin: germline.
Comment: This sequence change replaces arginine, which is basic and polar, with glutamine, which is neutral and polar, at codon 307 of the FKTN protein (p.Arg307Gln). This variant is present in population databases (rs119463992, gnomAD 0.01%). This missense change has been observed in individual(s) with FKTN-related conditions (PMID: 17044012, 19179078, 19396839, 25821721, 30060766). In at least one individual the data is consistent with being in trans (on the opposite chromosome) from a pathogenic variant. ClinVar contains an entry for this variant (Variation ID: 3208). Invitae Evidence Modeling of protein sequence and biophysical properties (such as structural, functional, and spatial information, amino acid conservation, physicochemical variation, residue mobility, and thermodynamic stability) indicates that this missense variant is expected to disrupt FKTN protein function with a positive predictive value of 95%. Experimental studies have shown that this missense change affects FKTN function (PMID: 26923585). For these reasons, this variant has been classified as Pathogenic.

Natera, Inc.
Classification: Pathogenic for Walker-Warburg congenital muscular dystrophy. Last evaluated: 2025-09-22. Review status: criteria provided, single submitter. Criteria: Natera Variant Classification Schema (03/2026). Collection method: clinical testing. Allele origin: germline.
Comment: The c.920G>A variant in FKTN is a missense variant predicted to cause substitution of arginine to glutamine at amino acid 307. This variant is rare in the general population with a frequency below the threshold expected for the associated phenotype(s). This variant has been observed in one or more individuals affected with the associated recessive disease, as either homozygous or compound heterozygous with a second variant (PMID: 20961758, 19396839, 19179078). Computational prediction algorithms indicate this variant is likely to affect gene or protein function. Given the available evidence, this variant is classified as Pathogenic.

Dasa
Classification: Likely pathogenic. Last evaluated: 2025-05-30. Review status: criteria provided, single submitter. Criteria: DASA Assertion Criteria. Collection method: clinical testing. Allele origin: germline.
Comment: NM_001079802.2(FKTN):c.920G>A (p.Arg307Gln) is a missense variant that results in the substitution of arginine with glutamine. This variant has been recurrently observed in individuals with FKTN-related disorders (PMID: 17044012; PMID: 19299310; PMID: 19179078). Also, this variant is rare in population databases. Computational evidence supports a deleterious effect. Based on the currently available evidence, this variant is classified as likely pathogenic.

Ambry Genetics
Classification: Pathogenic for Cardiovascular phenotype. Last evaluated: 2024-07-03. Review status: criteria provided, single submitter. Criteria: Ambry Variant Classification Scheme 2023. Collection method: clinical testing. Allele origin: germline.
Comment: The p.R307Q pathogenic mutation (also known as c.920G>A), located in coding exon 7 of the FKTN gene, results from a G to A substitution at nucleotide position 920. The arginine at codon 307 is replaced by glutamine, an amino acid with highly similar properties. This variant has been identified in the homozygous state and/or in conjunction with other FKTN variant(s) in individual(s) with features consistent with FKTN-related dystroglycanopathies, most often presenting as limb-girdle muscular dystrophy-like phenotype; in at least one instance, the variants were identified in trans (Godfrey C et al. Ann Neurol, 2006 Nov;60:603-610; Godfrey C et al. Brain, 2007 Oct;130:2725-35; Mercuri E et al. Neurology, 2009 May;72:1802-9; Vuillaumier-Barrot S et al. Neuromuscul Disord, 2009 Mar;19:182-8; Carlson CR et al. Neurology, 2017 Dec;89:2374-2380; Johnson K et al. Skelet Muscle, 2018 Jul;8:23; Erbe LS et al. Int J Mol Sci, 2023 Sep;24). This amino acid position is highly conserved in available vertebrate species. In addition, this alteration is predicted to be deleterious by in silico analysis. This variant is considered to be rare based on population cohorts in the Genome Aggregation Database (gnomAD). Based on the supporting evidence, this variant is interpreted as a disease-causing mutation.

Fulgent Genetics
Classification: Pathogenic for Muscular dystrophy-dystroglycanopathy (congenital with brain and eye anomalies), type A, 4; Autosomal recessive limb-girdle muscular dystrophy type 2M; Dilated cardiomyopathy 1X; Muscular dystrophy-dystroglycanopathy (congenital without impaired intellectual development), type B, 4. Last evaluated: 2024-05-02. Review status: criteria provided, single submitter. Criteria: ACMG Guidelines, 2015. Collection method: clinical testing. Allele origin: germline.

Revvity Omics, Revvity
Classification: Pathogenic. Last evaluated: 2024-01-16. Review status: criteria provided, single submitter. Criteria: ACMG Guidelines, 2015. Collection method: clinical testing. Allele origin: germline.

GeneDx
Classification: Likely pathogenic. Last evaluated: 2023-05-30. Review status: criteria provided, single submitter. Criteria: GeneDx Variant Classification Process June 2021. Collection method: clinical testing. Allele origin: germline. Affected: yes.
Comment: Has been reported in individuals with a dystroglycinopathy phenotype (Godfrey et al., 2006; Godfrey, et al., 2007; Vuillaumier-Barrot et al., 2009; Johnson et al., 2018); Not observed at significant frequency in large population cohorts (gnomAD); In silico analysis supports that this missense variant has a deleterious effect on protein structure/function; Functional studies in CHO cells showed that this variant does not affect FKTN expression or localization (Godfrey et al., 2006); This variant is associated with the following publications: (PMID: 31589614, 17044012, 25821721, 32528171, 20961758, 19299310, 24144914, 19833706, 26923585, 19266496, 19396839, 32906206, 30060766, 17878207, 19179078, 30564623)

Baylor Genetics
Classification: Pathogenic for Dilated cardiomyopathy 1X. Last evaluated: 2023-05-05. Review status: criteria provided, single submitter. Criteria: ACMG Guidelines, 2015. Collection method: clinical testing. Allele origin: unknown.

Women's Health and Genetics/Laboratory Corporation of America, LabCorp
Classification: Pathogenic for Fukuyama congenital muscular dystrophy. Last evaluated: 2019-05-02. Review status: criteria provided, single submitter. Criteria: LabCorp Variant Classification Summary - May 2015. Collection method: clinical testing. Allele origin: germline.
Comment: Variant summary: FKTN c.920G>A (p.Arg307Gln) results in a conservative amino acid change in the encoded protein sequence. Four of five in-silico tools predict a damaging effect of the variant on protein function. The variant allele was found at a frequency of 1.2e-05 in 249118 control chromosomes (gnomAD). c.920G>A has been reported in the literature in multiple affected individuals (Ceyhan-Birsoy_2015, Godfrey_2007, Johnson_2018, Yis_2011). These data indicate that the variant is very likely to be associated with disease. One clinical diagnostic laboratory has submitted clinical-significance assessments for this variant to ClinVar after 2014 without evidence for independent evaluation. One laboratory classified the variant as pathogenic. Based on the evidence outlined above, the variant was classified as pathogenic.

Eurofins Ntd Llc (ga)
Classification: Pathogenic. Last evaluated: 2017-06-15. Review status: criteria provided, single submitter. Criteria: EGL Classification Definitions 2015. Collection method: clinical testing. Allele origin: germline. Observed: 5 variant alleles, 3 heterozygotes, 2 homozygotes.

Intergen Genetics and Rare Diseases Diagnosis Center
Classification: Pathogenic for Dilated cardiomyopathy 1X; Muscular dystrophy-dystroglycanopathy (congenital with brain and eye anomalies), type A, 4; Muscular dystrophy-dystroglycanopathy (congenital without impaired intellectual development), type B, 4. Review status: criteria provided, single submitter. Criteria: ACMG Guidelines, 2015. Collection method: clinical testing. Allele origin: germline. Inheritance: Autosomal recessive inheritance. Affected: yes. Observed: 1 homozygote.
Comment: The substituted residue is highly conserved, and in silico analyses predict a damaging effect. The variant is absent/rare in population databases, and functional evidence supports a deleterious impact on fukutin activity. Detection in homozygous state in a recessive disease phenotype further supports pathogenicity. This variant meets ACMG criteria PM2, PM3, PP3_S, and PS3, consistent with a Pathogenic classification.

OMIM
Classification: Pathogenic for MUSCULAR DYSTROPHY-DYSTROGLYCANOPATHY (LIMB-GIRDLE), TYPE C, 4. Last evaluated: 2009-05-26. Review status: no assertion criteria provided. Collection method: literature only. Allele origin: germline. Not counted in ClinVar's aggregate classification.

OMIM
Classification: Pathogenic for MUSCULAR DYSTROPHY-DYSTROGLYCANOPATHY (CONGENITAL WITHOUT IMPAIRED INTELLECTUAL DEVELOPMENT), TYPE B, 4. Last evaluated: 2009-05-26. Review status: no assertion criteria provided. Collection method: literature only. Allele origin: germline. Not counted in ClinVar's aggregate classification.

Literature cited by the submitters: PubMed 17044012 (cited by 4 submitters); PubMed 19179078 (cited by 5 submitters); PubMed 19396839 (cited by Labcorp Genetics (formerly Invitae), Labcorp and Natera, Inc.); PubMed 25821721 (cited by 3 submitters); PubMed 30060766 (cited by 4 submitters); PubMed 26923585 (cited by Labcorp Genetics (formerly Invitae), Labcorp); PubMed 20961758 (cited by Natera, Inc. and Women's Health and Genetics/Laboratory Corporation of America, LabCorp); PubMed 19299310 (cited by 3 submitters); PubMed 17878207 (cited by Ambry Genetics and Women's Health and Genetics/Laboratory Corporation of America, LabCorp); PubMed 29101272 (cited by Ambry Genetics); PubMed 37834164 (cited by Ambry Genetics).

NM_001079802.2(FKTN):c.920G>A (p.Arg307Gln)

Gene: FKTN (fukutin; plus strand). Cytogenetic location: 9q31.2.
Variant type: single nucleotide variant.
Coding change: c.920G>A on transcript NM_001079802.2 (MANE Select); coding-DNA position 920, G replaced by A.
Protein change: p.Arg307Gln; replaces arginine 307 with glutamine.
Molecular consequence: missense variant. On other transcripts: non-coding transcript variant (1).
Genome position (GRCh38, 1-based): chr9:105,617,968, G>A. VCF-style: chr9-105617968-G-A. GRCh37 (hg19) VCF-style: chr9-108380249-G-A.
Other names: c.920G>A, p.Arg307Gln (NM_001198963.2, NM_001351496.2, NM_001351498.2 and 1 more transcripts); c.851G>A, p.Arg284Gln (NM_001351497.2); c.524G>A, p.Arg175Gln (NM_001351499.2, NM_001351500.2, NM_001351501.2 and 1 more transcripts); short protein forms R307Q, R284Q, R175Q.
Identifiers: ClinVar variation 3208 (VCV000003208.24), dbSNP rs119463992, ClinGen allele CA116072.
Genomic context (GRCh38, chr9:105,617,968, plus strand): 5'-TAATTTTTTCCAAACCTAAATTTTGTTAAAAAAATTTAATCTTCTTTTTAGGATGGTATC[G>A]ACAATGCAACATTATTCCTTATAGCAAAGATGTTGACCTAGGAATTTTTATACAAGATTA-3'
Protein context (NP_001073270.1, residues 297-317): LSSGTCLGWY[Arg307Gln]QCNIIPYSKD